The following is an entry in ClinVar:

ClinVar aggregate classification (germline): Likely benign (1 of 4 stars; one submission).

Conditions:
GFM1-related disorder. Also called: GFM1-related condition.

gnomAD v4.1: 18 of 1,535,638 alleles (0.0012%); highest among the groups gnomAD compares: Admixed American, 0.0078%; no homozygotes.

Submission:

PreventionGenetics, part of Exact Sciences
Classification: Likely benign for GFM1-related condition. Last evaluated: 2026-03-08. Review status: criteria provided, single submitter. Criteria: ACMG Guidelines, 2015. Collection method: clinical testing. Allele origin: germline.
Comment: This variant is classified as likely benign based on ACMG/AMP sequence variant interpretation guidelines (Richards et al. 2015 PMID: 25741868, with internal and published modifications).

NM_024996.7(GFM1):c.689+844A>G

Gene: GFM1 (G elongation factor mitochondrial 1; plus strand). Cytogenetic location: 3q25.32.
Variant type: single nucleotide variant.
Coding change: c.689+844A>G on transcript NM_024996.7 (MANE Select); 844 bases into the intron after coding-DNA position 689, A replaced by G.
Molecular consequence: intron variant.
Genome position (GRCh38, 1-based): chr3:158,650,001, A>G. VCF-style: chr3-158650001-A-G. GRCh37 (hg19) VCF-style: chr3-158367790-A-G.
Other names: c.690-4A>G (NM_001308164.2, NM_001374355.1); c.464+844A>G (NM_001374357.1); c.573-2095A>G (NM_001374356.1); c.122+844A>G (NM_001374359.1, NM_001374360.1); c.6-2095A>G (NM_001374361.1); c.235-2099A>G (NM_001374358.1); c.689+844A>G (NM_001308166.2).
Identifiers: ClinVar variation 4990405 (VCV004990405.1).